The following is an entry in ClinVar:

NM_001166114.2(PNPLA6):c.1438G>C (p.Gly480Arg)

Gene: PNPLA6 (patatin like domain 6, lysophospholipase; plus strand). Cytogenetic location: 19p13.2.
Variant type: single nucleotide variant.
Coding change: c.1438G>C on transcript NM_001166114.2 (MANE Select); coding-DNA position 1438, G replaced by C.
Protein change: p.Gly480Arg; replaces glycine 480 with arginine.
Molecular consequence: missense variant.
Genome position (GRCh38, 1-based): chr19:7,542,836, G>C. VCF-style: chr19-7542836-G-C. GRCh37 (hg19) VCF-style: chr19-7607722-G-C.
Other names: c.1465G>C, p.Gly489Arg (NM_001166111.2); c.1321G>C, p.Gly441Arg (NM_001166112.2, NM_001166113.1, NM_006702.5); short protein forms G441R, G480R, G489R.
Identifiers: ClinVar variation 1386656 (VCV001386656.6), dbSNP rs2146061174, ClinGen allele CA403113379.

ClinVar aggregate classification (germline): Uncertain significance (1 of 4 stars; one submission).

Conditions:
Hereditary spastic paraplegia 39 (SPG39). Also called: SPASTIC PARAPLEGIA 39, AUTOSOMAL RECESSIVE; Spastic Paraplegia Type 39 (SPG39). Identifiers: Orphanet 139480, MedGen C2677586, MONDO:0012787, OMIM 612020.

Submission:

Labcorp Genetics (formerly Invitae), Labcorp
Classification: Uncertain significance for Hereditary spastic paraplegia 39. Last evaluated: 2022-08-31. Review status: criteria provided, single submitter. Criteria: Invitae Variant Classification Sherloc (09022015). Collection method: clinical testing. Allele origin: germline.
Comment: In summary, the available evidence is currently insufficient to determine the role of this variant in disease. Therefore, it has been classified as a Variant of Uncertain Significance. Algorithms developed to predict the effect of missense changes on protein structure and function (SIFT, PolyPhen-2, Align-GVGD) all suggest that this variant is likely to be tolerated. ClinVar contains an entry for this variant (Variation ID: 1386656). This variant has not been reported in the literature in individuals affected with PNPLA6-related conditions. This variant is not present in population databases (gnomAD no frequency). This sequence change replaces glycine, which is neutral and non-polar, with arginine, which is basic and polar, at codon 441 of the PNPLA6 protein (p.Gly441Arg).